The following is an entry in ClinVar:

NM_021098.3(CACNA1H):c.3589G>A (p.Glu1197Lys)

Gene: CACNA1H (calcium voltage-gated channel subunit alpha1 H; plus strand). Cytogenetic location: 16p13.3.
Variant type: single nucleotide variant.
Coding change: c.3589G>A on transcript NM_021098.3 (MANE Select); coding-DNA position 3589, G replaced by A.
Protein change: p.Glu1197Lys; replaces glutamic acid 1197 with lysine.
Molecular consequence: missense variant.
Genome position (GRCh38, 1-based): chr16:1,209,257, G>A. VCF-style: chr16-1209257-G-A. GRCh37 (hg19) VCF-style: chr16-1259257-G-A.
Other names: c.3589G>A, p.Glu1197Lys (NM_001005407.2); short protein forms E1197K.
Identifiers: ClinVar variation 529611 (VCV000529611.21), dbSNP rs751423106, ClinGen allele CA7800807.
Genomic context (GRCh38, chr16:1,209,257, plus strand): 5'-GACGAAGCTGAGGACGGCAGGGCCGCGCCCGGGCCCCGTGCCACCCCACTGCGGCGGGCC[G>A]AGTCCCTGGACCCACGGCCCCTGCGGCCGGCCGCCCTCCCGCCTACCAAGTGCCGCGATC-3'
Protein context (NP_066921.2, residues 1187-1207): GPRATPLRRA[Glu1197Lys]SLDPRPLRPA

ClinVar aggregate classification (germline): Conflicting classifications of pathogenicity. Review status: criteria provided, conflicting classifications (1 of 4 stars). 7 submissions from 7 submitters: Uncertain significance (1); Likely benign (2). 4 of the submissions do not count toward it. Last evaluated 2026-01-15.

Conditions:
CACNA1H-related disorder.
Epilepsy, childhood absence, susceptibility to, 6. Identifiers: Orphanet 64280, MedGen C2749872, MONDO:0012763, OMIM 611942.
Hyperaldosteronism, familial, type IV (HALD4). Also called: FH IV; ALDOSTERONISM, PRIMARY, AND HYPERTENSION. Identifiers: Orphanet 642671, MedGen C4310756, MONDO:0014875, OMIM 617027.
Idiopathic generalized epilepsy. Also called: Generalised epilepsy; EIG. Identifiers: MedGen C0270850, MONDO:0005579, OMIM 600669.

Allele frequency attached by ClinVar (database versions not stated): gnomAD exomes 0.00044 and 0.00098; gnomAD 0.00046 and 0.00048; 1000 Genomes Project 30x 0.00047; TOPMed 0.00049; ExAC 0.00092.
gnomAD v4.1: 1,406 of 1,546,578 alleles (0.091%); highest among the groups gnomAD compares: Non-Finnish European, 0.12%; 1 homozygote.

Submissions (7):

Labcorp Genetics (formerly Invitae), Labcorp
Classification: Likely benign for Idiopathic generalized epilepsy; Hyperaldosteronism, familial, type IV. Last evaluated: 2026-01-15. Review status: criteria provided, single submitter. Criteria: Invitae Variant Classification Sherloc (09022015). Collection method: clinical testing. Allele origin: germline.

Blueprint Genetics
Classification: Likely benign. Last evaluated: 2024-11-08. Review status: criteria provided, single submitter. Criteria: ACMG Guidelines, 2015. Collection method: clinical testing. Allele origin: germline.

Fulgent Genetics
Classification: Uncertain significance for Epilepsy, childhood absence, susceptibility to, 6; Hyperaldosteronism, familial, type IV. Last evaluated: 2018-10-31. Review status: criteria provided, single submitter. Criteria: ACMG Guidelines, 2015. Collection method: clinical testing. Allele origin: unknown.

PreventionGenetics, part of Exact Sciences
Classification: Likely benign for CACNA1H-related condition. Last evaluated: 2023-02-24. Review status: no assertion criteria provided. Collection method: clinical testing. Allele origin: germline. Not counted in ClinVar's aggregate classification.
Comment: This variant is classified as likely benign based on ACMG/AMP sequence variant interpretation guidelines (Richards et al. 2015 PMID: 25741868, with internal and published modifications).

Clinical Genetics DNA and cytogenetics Diagnostics Lab, Erasmus MC, Erasmus Medical Center
Classification: Likely benign. Review status: no assertion criteria provided. Collection method: clinical testing. Allele origin: germline. Affected: yes. Study: VKGL Data-share Consensus. Not counted in ClinVar's aggregate classification.

Diagnostic Laboratory, Department of Genetics, University Medical Center Groningen
Classification: Likely benign. Review status: no assertion criteria provided. Collection method: clinical testing. Allele origin: germline. Affected: yes. Study: VKGL Data-share Consensus. Not counted in ClinVar's aggregate classification.

Laboratory of Diagnostic Genome Analysis, Leiden University Medical Center (LUMC)
Classification: Likely benign. Review status: no assertion criteria provided. Collection method: clinical testing. Allele origin: germline. Affected: yes. Study: VKGL Data-share Consensus. Not counted in ClinVar's aggregate classification.